The following is an entry in ClinVar:

NM_001105659.2(LRRIQ3):c.1573C>T (p.Arg525Cys)

Gene: LRRIQ3 (leucine rich repeats and IQ motif containing 3; minus strand). Cytogenetic location: 1p31.1.
Variant type: single nucleotide variant.
Coding change: c.1573C>T on transcript NM_001105659.2 (MANE Select); coding-DNA position 1573, C replaced by T.
Protein change: p.Arg525Cys; replaces arginine 525 with cysteine.
Molecular consequence: missense variant. On other transcripts: intron variant (1).
Genome position (GRCh38, 1-based): chr1:74,041,358, G>A on the plus strand (C>T on the coding strand, the complement: LRRIQ3 is on the minus strand). VCF-style: chr1-74041358-G-A. GRCh37 (hg19) VCF-style: chr1-74507042-G-A.
Other names: c.1240+333C>T (NM_001322315.2); short protein forms R525C.
Identifiers: ClinVar variation 3050772 (VCV003050772.2), dbSNP rs78197692, ClinGen allele CA907714.

ClinVar aggregate classification (germline): Benign (0 of 4 stars; one submission).

Conditions:
LRRIQ3-related disorder. Also called: LRRIQ3-related condition.

Allele frequency attached by ClinVar (database versions not stated): gnomAD exomes 0.00057; ExAC 0.00114; gnomAD 0.00390; ESP Exome Variant Server 0.00400; TOPMed 0.00422; 1000 Genomes Project 0.00439; 1000 Genomes Project 30x 0.00453.

Submission:

PreventionGenetics, part of Exact Sciences
Classification: Benign for LRRIQ3-related condition. Last evaluated: 2019-02-28. Review status: no assertion criteria provided. Collection method: clinical testing. Allele origin: germline.
Comment: This variant is classified as benign based on ACMG/AMP sequence variant interpretation guidelines (Richards et al. 2015 PMID: 25741868, with internal and published modifications).